The following is an entry in ClinVar:

NM_004360.5(CDH1):c.388-15C>T

Gene: CDH1 (cadherin 1; plus strand). Cytogenetic location: 16q22.1.
Variant type: single nucleotide variant.
Coding change: c.388-15C>T on transcript NM_004360.5 (MANE Select); 15 bases into the intron before coding-DNA position 388, C replaced by T.
Molecular consequence: intron variant.
Genome position (GRCh38, 1-based): chr16:68,808,409, C>T. VCF-style: chr16-68808409-C-T. GRCh37 (hg19) VCF-style: chr16-68842312-C-T.
Other names: c.-1228-15C>T (NM_001317185.2); c.-1432-15C>T (NM_001317186.2); c.388-15C>T (NM_001317184.2).
Identifiers: ClinVar variation 3378929 (VCV003378929.1).

ClinVar aggregate classification (germline): Likely benign (1 of 4 stars; one submission).

Conditions:
Hereditary diffuse gastric adenocarcinoma (HDGC). Also called: DIFFUSE GASTRIC AND LOBULAR BREAST CANCER SYNDROME. Identifiers: Orphanet 26106, MedGen C1708349, MONDO:0007648, OMIM 137215.

Submission:

Myriad Genetics, Inc.
Classification: Likely benign for Hereditary diffuse gastric adenocarcinoma. Last evaluated: 2024-09-12. Review status: criteria provided, single submitter. Criteria: Myriad Autosomal Dominant, Autosomal Recessive and X-Linked Classification Criteria (2023). Collection method: clinical testing. Allele origin: unknown.
Comment: This variant is considered likely benign. This variant is intronic and is not expected to impact mRNA splicing.